The following is an entry in ClinVar:

ClinVar aggregate classification (germline): Uncertain significance (1 of 4 stars; one submission).

Conditions:
Hereditary spastic paraplegia 3A (SPG3A). Also called: SPASTIC PARAPLEGIA 3, AUTOSOMAL DOMINANT; FAMILIAL SPASTIC PARAPLEGIA, AUTOSOMAL DOMINANT, 1; SPG3; STRUMPELL DISEASE; Spastic Paraplegia 3A; Spastic paraplegia 3A, autosomal dominant. Identifiers: Orphanet 100984, MedGen C2931355, MONDO:0008437, OMIM 182600.

Submission:

Labcorp Genetics (formerly Invitae), Labcorp
Classification: Uncertain significance for Hereditary spastic paraplegia 3A. Last evaluated: 2018-02-20. Review status: criteria provided, single submitter. Criteria: Invitae Variant Classification Sherloc (09022015). Collection method: clinical testing. Allele origin: germline.
Comment: In summary, the available evidence is currently insufficient to determine the role of this variant in disease. Therefore, it has been classified as a Variant of Uncertain Significance. Algorithms developed to predict the effect of sequence changes on RNA splicing suggest that this variant may create or strengthen a splice site, but this prediction has not been confirmed by published transcriptional studies. Algorithms developed to predict the effect of missense changes on protein structure and function (SIFT, PolyPhen-2, Align-GVGD) all suggest that this variant is likely to be tolerated, but these predictions have not been confirmed by published functional studies and their clinical significance is uncertain. This variant has not been reported in the literature in individuals with ATL1-related disease. This variant is not present in population databases (ExAC no frequency). This sequence change replaces isoleucine with valine at codon 125 of the ATL1 protein (p.Ile125Val). The isoleucine residue is highly conserved and there is a small physicochemical difference between isoleucine and valine.

NM_015915.5(ATL1):c.373A>G (p.Ile125Val)

Gene: ATL1 (atlastin GTPase 1; plus strand). Cytogenetic location: 14q22.1.
Variant type: single nucleotide variant.
Coding change: c.373A>G on transcript NM_015915.5 (MANE Select); coding-DNA position 373, A replaced by G.
Protein change: p.Ile125Val; replaces isoleucine 125 with valine.
Molecular consequence: missense variant.
Genome position (GRCh38, 1-based): chr14:50,591,031, A>G. VCF-style: chr14-50591031-A-G. GRCh37 (hg19) VCF-style: chr14-51057749-A-G.
Other names: c.373A>G, p.Ile125Val (NM_001127713.1, NM_181598.4); short protein forms I125V.
Identifiers: ClinVar variation 578005 (VCV000578005.8), dbSNP rs1566723956, ClinGen allele CA389666792.
Genomic context (GRCh38, chr14:50,591,031, plus strand): 5'-GAACCATTGACTGGTTTTTCATGGAGAGGTGGATCTGAGCGAGAGACCACAGGAATTCAG[A>G]TATGGAGTGAAATCTTCCTTATCAATAAACCTGATGGTAAAAAGGTATGATGCTAACTTC-3'
Protein context (NP_056999.2, residues 115-135): GSERETTGIQ[Ile125Val]WSEIFLINKP